The following is an entry in ClinVar:

NM_001830.4(CLCN4):c.264C>T (p.Ile88=)

Gene: CLCN4 (Cl-/H+ antiporter 4; plus strand). Cytogenetic location: Xp22.2.
Variant type: single nucleotide variant.
Coding change: c.264C>T on transcript NM_001830.4 (MANE Select); coding-DNA position 264, C replaced by T.
Protein change: p.Ile88=; no amino-acid change (isoleucine 88 retained).
Molecular consequence: synonymous variant. On other transcripts: 5 prime UTR variant (1).
Genome position (GRCh38, 1-based): chrX:10,194,930, C>T. VCF-style: chrX-10194930-C-T. GRCh37 (hg19) VCF-style: chrX-10162970-C-T.
Other names: c.-19C>T (NM_001256944.2).
Identifiers: ClinVar variation 696265 (VCV000696265.36), dbSNP rs749839151, ClinGen allele CA10347050.

ClinVar aggregate classification (germline): Benign/Likely benign. Review status: criteria provided, multiple submitters, no conflicts (2 of 4 stars). 6 submissions from 6 submitters: Benign (3); Likely benign (3). Last evaluated 2025-11-24.

Conditions:
Intellectual disability, X-linked 49 (MRXSRC). Also called: MRX49; CLCN4-Related Neurodevelopmental Disorder; MENTAL RETARDATION, X-LINKED 15; CLCN4-related X-linked intellectual disability syndrome; RAYNAUD-CLAES SYNDROME. Identifiers: Orphanet 485350, Orphanet 777, MedGen C0796221, MONDO:0010250, OMIM 300114.

Allele frequency attached by ClinVar (database versions not stated): gnomAD 0.00017 and 0.00019; TOPMed 0.00010; ExAC 0.00015; gnomAD exomes 0.00015.
gnomAD v4.1: 199 of 1,209,142 alleles (0.016%); highest among the groups gnomAD compares: Middle Eastern, 0.11%; no homozygotes.

Submissions (6):

Labcorp Genetics (formerly Invitae), Labcorp
Classification: Benign. Last evaluated: 2025-11-24. Review status: criteria provided, single submitter. Criteria: Invitae Variant Classification Sherloc (09022015). Collection method: clinical testing. Allele origin: germline.

ARUP Laboratories, Molecular Genetics and Genomics, ARUP Laboratories
Classification: Benign for Intellectual disability, X-linked 49. Last evaluated: 2024-08-19. Review status: criteria provided, single submitter. Criteria: ARUP Molecular Germline Variant Investigation Process 2024. Collection method: clinical testing. Allele origin: germline.

Blueprint Genetics
Classification: Likely benign. Last evaluated: 2024-08-06. Review status: criteria provided, single submitter. Criteria: ACMG Guidelines, 2015. Collection method: clinical testing. Allele origin: germline.

CeGaT Center for Human Genetics Tuebingen
Classification: Likely benign. Last evaluated: 2023-12-01. Review status: criteria provided, single submitter. Criteria: CeGaT Center For Human Genetics Tuebingen Variant Classification Criteria Version 2. Collection method: clinical testing. Allele origin: germline. Affected: yes. Observed: 1 variant allele.
Comment: CLCN4: BP4, BP7, BS2

GeneDx
Classification: Benign. Last evaluated: 2019-06-07. Review status: criteria provided, single submitter. Criteria: GeneDx Variant Classification Process June 2021. Collection method: clinical testing. Allele origin: germline. Affected: yes.

Breakthrough Genomics
Classification: Likely benign. Review status: criteria provided, single submitter. Criteria: ACMG Guidelines, 2015. Collection method: not provided. Allele origin: germline. Inheritance: X-linked dominant inheritance. Affected: yes.